The following is an entry in ClinVar:

NM_000466.3(PEX1):c.1107_1108insC (p.Ile370fs)

Gene: PEX1 (peroxisomal biogenesis factor 1; minus strand). Cytogenetic location: 7q21.2.
Variant type: Insertion.
Coding change: c.1107_1108insC on transcript NM_000466.3 (MANE Select); coding-DNA positions 1107 to 1108, C inserted.
Protein change: p.Ile370fs; shifts the reading frame from isoleucine 370.
Molecular consequence: frameshift variant.
Genome position: GRCh38 VCF-style: chr7-92517407-T-TG. GRCh37 (hg19) VCF-style: chr7-92146721-T-TG.
Other names: c.1107_1108insC, p.Ile370fs (NM_001282677.2); c.483_484insC, p.Ile162fs (NM_001282678.2); short protein forms I162fs, I370fs.
Identifiers: ClinVar variation 5015406 (VCV005015406.1).
Genomic context (GRCh38, chr7:92,517,407, plus strand): 5'-CATTCCAGACTACTTGTAGCACACAGGCCTTCTCATCTTCTTCATTATGATCTGACCTAA[T>TG]TTTTTTTTGATCTAGTGGCTCTGACATCTGCTTCTCTTTTTCAGGTGATAACACATTTTG-3'

ClinVar aggregate classification (germline): Pathogenic (1 of 4 stars; one submission).

Conditions:
Peroxisome biogenesis disorder. Identifiers: Orphanet 79189, MedGen C1832200, MONDO:0019234. Disease mechanism: loss of function.

Submission:

Myriad Genetics, Inc.
Classification: Pathogenic for Peroxisome biogenesis disorder. Last evaluated: 2026-01-10. Review status: criteria provided, single submitter. Criteria: Myriad Autosomal Dominant, Autosomal Recessive and X-Linked Classification Criteria (2023). Collection method: clinical testing. Allele origin: unknown.
Comment: NM_000466.2(PEX1):c.1107_1108insC(I370Hfs*2) is expected to be pathogenic in the context of peroxisome biogenesis disorder type 1. This variant is predicted to lead to an abnormal or absent protein product due to the creation of a premature termination codon in PEX1, a gene where loss-of-function variants are known to be pathogenic. Please note: this variant was assessed in the context of healthy population screening.